The following is an entry in ClinVar:

NM_015443.4(KANSL1):c.3019C>T (p.Arg1007Trp)

Gene: KANSL1 (KAT8 regulatory NSL complex subunit 1). Cytogenetic location: 17q21.31.
Variant type: single nucleotide variant.
Coding change: c.3019C>T on transcript NM_015443.4 (MANE Select); coding-DNA position 3019, C replaced by T.
Protein change: p.Arg1007Trp; replaces arginine 1007 with tryptophan.
Molecular consequence: missense variant.
Genome position (GRCh38, 1-based): chr17:46,032,118, G>A on the plus strand (C>T on the coding strand, the complement: KANSL1 is on the minus strand). VCF-style: chr17-46032118-G-A. GRCh37 (hg19) VCF-style: chr17-44109484-G-A.
Other names: c.3016C>T, p.Arg1006Trp (NM_001193465.2); c.3019C>T, p.Arg1007Trp (NM_001193466.2, NM_001379198.1); short protein forms R1007W, R1006W.
Identifiers: ClinVar variation 387002 (VCV000387002.6), dbSNP rs1057522661, ClinGen allele CA16607298.

ClinVar aggregate classification (germline): Conflicting classifications of pathogenicity. Review status: criteria provided, conflicting classifications (1 of 4 stars). 3 submissions from 3 submitters: Uncertain significance (2); Likely benign (1). Last evaluated 2026-02-03.

Conditions:
Koolen-de Vries syndrome (KDVS). Identifiers: Orphanet 96169, MedGen C1864871, MONDO:0012496, OMIM 610443.

Allele frequency attached by ClinVar (database versions not stated): gnomAD exomes below 0.00001; gnomAD 0.00001; TOPMed 0.00001.
gnomAD v4.1: 8 of 1,613,948 alleles (0.0005%); highest among the groups gnomAD compares: African/African-American, 0.0013%; no homozygotes.

Submissions (3):

Labcorp Genetics (formerly Invitae), Labcorp
Classification: Uncertain significance for Koolen-de Vries syndrome. Last evaluated: 2026-02-03. Review status: criteria provided, single submitter. Criteria: Invitae Variant Classification Sherloc (09022015). Collection method: clinical testing. Allele origin: germline.
Comment: This sequence change replaces arginine, which is basic and polar, with tryptophan, which is neutral and slightly polar, at codon 1007 of the KANSL1 protein (p.Arg1007Trp). This variant is not present in population databases (gnomAD no frequency). This missense change has been observed in individual(s) with neurodevelopmental disorders (PMID: 33004838). This missense change has been observed in at least one individual who was not affected with KANSL1-related conditions (internal data). ClinVar contains an entry for this variant (Variation ID: 387002). Invitae Evidence Modeling of protein sequence and biophysical properties (such as structural, functional, and spatial information, amino acid conservation, physicochemical variation, residue mobility, and thermodynamic stability) indicates that this missense variant is expected to disrupt KANSL1 protein function with a positive predictive value of 80%. In summary, the available evidence is currently insufficient to determine the role of this variant in disease. Therefore, it has been classified as a Variant of Uncertain Significance.

New York Genome Center
Classification: Uncertain significance for Koolen-de Vries syndrome. Last evaluated: 2021-12-22. Review status: criteria provided, single submitter. Criteria: NYGC Assertion Criteria 2020. Collection method: clinical testing. Allele origin: germline. Observed: 1 heterozygote. Study: CSER-NYCKidSeq.

GeneDx
Classification: Likely benign. Last evaluated: 2016-06-22. Review status: criteria provided, single submitter. Criteria: GeneDx Variant Classification (06012015). Collection method: clinical testing. Allele origin: germline. Affected: yes.
Comment: This variant is considered likely benign or benign based on one or more of the following criteria: it is a conservative change, it occurs at a poorly conserved position in the protein, it is predicted to be benign by multiple in silico algorithms, and/or has population frequency not consistent with disease.

Literature cited by the submitters: PubMed 33004838 (cited by Labcorp Genetics (formerly Invitae), Labcorp).